The following is an entry in ClinVar:

ClinVar aggregate classification (germline): Likely pathogenic (1 of 4 stars; one submission).

Conditions:
Autosomal recessive limb-girdle muscular dystrophy type 2J (LGMDR10). Also called: Limb-girdle muscular dystrophy, type 2J; MUSCULAR DYSTROPHY, LIMB-GIRDLE, AUTOSOMAL RECESSIVE 10. Identifiers: Orphanet 140922, MedGen C1837342, MONDO:0012127, OMIM 608807.
Dilated cardiomyopathy 1G (CMD1G). Identifiers: Orphanet 154, MedGen C1858763, MONDO:0011400, OMIM 604145.

Submission:

Labcorp Genetics (formerly Invitae), Labcorp
Classification: Likely pathogenic for Dilated cardiomyopathy 1G; Limb-girdle muscular dystrophy, type 2J. Last evaluated: 2018-04-20. Review status: criteria provided, single submitter. Criteria: Invitae Variant Classification Sherloc (09022015). Collection method: clinical testing. Allele origin: germline.
Comment: This variant is an out-of-frame deletion of the genomic region spanning exons 346-362 (c.96076_107488del) of the TTN gene. This sequence change results in a premature translational stop signal in the TTN gene (p.Ile32026Profs*14).Â¬â€ While this is not anticipated to result in nonsense mediated decay, it is expected to create a truncated TTN protein. This variant has not been reported in the literature in individuals with TTN-related disease. This variant disrupts the A-band and the M-band of the TTN gene. While this particular variant has not been reported in the literature, truncating variants in the A-band of TTN are significantly overrepresented in individuals affected with dilated cardiomyopathy (PMID: 25589632) and truncating variants in the M-band of TTN have been previously reported in individuals affected with autosomal recessive forms of myopathy and muscular dystrophy (PMID: 18948003, 23975875, 24395473). Copy number variants in these regions have not been previously reported in the literature. In summary, the currently available evidence indicates that the variant is pathogenic, but additional data are needed to prove that conclusively. Therefore, this variant has been classified as Likely Pathogenic.

Literature cited by the submitters: PubMed 25589632; PubMed 24395473; PubMed 23975875; PubMed 18948003.

NC_000002.12:g.(?_178528254)_(178544135_?)del

Genes: TTN-AS1 (TTN antisense RNA 1; plus strand), TTN (titin; minus strand), LOC129935182 (ATAC-STARR-seq lymphoblastoid active region 16807; plus strand), LOC129935183 (ATAC-STARR-seq lymphoblastoid active region 16808; plus strand), LOC129935184 (ATAC-STARR-seq lymphoblastoid active region 16809; plus strand) and 4 more. Cytogenetic location: 2q31.2.
Variant type: Deletion.
Identifiers: ClinVar variation 535754 (VCV000535754.1).